The following is an entry in ClinVar:

NM_001042492.3(NF1):c.4528C>G (p.Leu1510Val)

Gene: NF1 (neurofibromin 1; plus strand). Cytogenetic location: 17q11.2.
Variant type: single nucleotide variant.
Coding change: c.4528C>G on transcript NM_001042492.3 (MANE Select); coding-DNA position 4528, C replaced by G.
Protein change: p.Leu1510Val; replaces leucine 1510 with valine.
Molecular consequence: missense variant.
Genome position (GRCh38, 1-based): chr17:31,260,466, C>G. VCF-style: chr17-31260466-C-G. GRCh37 (hg19) VCF-style: chr17-29587484-C-G.
Other names: c.4465C>G, p.Leu1489Val (NM_000267.4); short protein forms L1510V, L1489V.
Identifiers: ClinVar variation 824908 (VCV000824908.4), dbSNP rs1597747076, ClinGen allele CA398999695.

ClinVar aggregate classification (germline): Uncertain significance (1 of 4 stars; one submission).

Conditions:
Hereditary cancer-predisposing syndrome. Also called: Neoplastic Syndromes, Hereditary; Tumor predisposition; Hereditary neoplastic syndrome; Hereditary Cancer Syndrome. Identifiers: Orphanet 140162, MedGen C0027672, MeSH D009386, MONDO:0015356.
Cardiovascular phenotype. Identifiers: MedGen CN230736.

Submission:

Ambry Genetics
Classification: Uncertain significance for Cardiovascular phenotype; Hereditary cancer-predisposing syndrome. Last evaluated: 2023-08-23. Review status: criteria provided, single submitter. Criteria: Ambry Variant Classification Scheme 2023. Collection method: clinical testing. Allele origin: germline.
Comment: The p.L1489V variant (also known as c.4465C>G), located in coding exon 33 of the NF1 gene, results from a C to G substitution at nucleotide position 4465. The leucine at codon 1489 is replaced by valine, an amino acid with highly similar properties. This amino acid position is highly conserved in available vertebrate species. In addition, the in silico prediction for this alteration is inconclusive. Since supporting evidence is limited at this time, the clinical significance of this alteration remains unclear.